The following is an entry in ClinVar:

ClinVar aggregate classification (germline): Uncertain significance (1 of 4 stars; one submission).

Conditions:
Inborn genetic diseases. Identifiers: MedGen C0950123, MeSH D030342.

Submission:

Ambry Genetics
Classification: Uncertain significance for Inborn genetic diseases. Last evaluated: 2024-11-28. Review status: criteria provided, single submitter. Criteria: Ambry Variant Classification Scheme 2023. Collection method: clinical testing. Allele origin: germline.
Comment: The p.V1029L variant (also known as c.3085G>C), located in coding exon 13 of the BMPR2 gene, results from a G to C substitution at nucleotide position 3085. The valine at codon 1029 is replaced by leucine, an amino acid with highly similar properties. This amino acid position is conserved. In addition, this alteration is predicted to be tolerated by in silico analysis. Based on the available evidence, the clinical significance of this variant remains unclear.

NM_001204.7(BMPR2):c.3085G>C (p.Val1029Leu)

Gene: BMPR2 (bone morphogenetic protein receptor type 2; plus strand). Cytogenetic location: 2q33.2.
Variant type: single nucleotide variant.
Coding change: c.3085G>C on transcript NM_001204.7 (MANE Select); coding-DNA position 3085, G replaced by C.
Protein change: p.Val1029Leu; replaces valine 1029 with leucine.
Molecular consequence: missense variant.
Genome position (GRCh38, 1-based): chr2:202,559,914, G>C. VCF-style: chr2-202559914-G-C. GRCh37 (hg19) VCF-style: chr2-203424637-G-C.
Other names: short protein forms V1029L.
Identifiers: ClinVar variation 3481315 (VCV003481315.1).
Genomic context (GRCh38, chr2:202,559,914, plus strand): 5'-GTTCATTCCAAATCCAGCACTGCTGTTTACCTTGCAGAAGGAGGCACTGCTACAACCATG[G>C]TGTCTAAAGATATAGGAATGAACTGTCTGTGAAATGTTTTCAAGCCTATGGAGTGAAATT-3'
Protein context (NP_001195.2, residues 1019-1038): LAEGGTATTM[Val1029Leu]SKDIGMNCL